The following is an entry in ClinVar:

NM_000243.3(MEFV):c.1463G>C (p.Gly488Ala)

Gene: MEFV (MEFV innate immunity regulator, pyrin; minus strand). Cytogenetic location: 16p13.3.
Variant type: single nucleotide variant.
Coding change: c.1463G>C on transcript NM_000243.3 (MANE Select); coding-DNA position 1463, G replaced by C.
Protein change: p.Gly488Ala; replaces glycine 488 with alanine.
Molecular consequence: missense variant.
Genome position (GRCh38, 1-based): chr16:3,247,140, C>G on the plus strand (G>C on the coding strand, the complement: MEFV is on the minus strand). VCF-style: chr16-3247140-C-G. GRCh37 (hg19) VCF-style: chr16-3297140-C-G.
Other names: c.830G>C, p.Gly277Ala (NM_001198536.2); short protein forms G277A, G488A.
Identifiers: ClinVar variation 4767459 (VCV004767459.1).

ClinVar aggregate classification (germline): Uncertain significance (1 of 4 stars; one submission).

Conditions:
Familial Mediterranean fever (FMF). Also called: POLYSEROSITIS, FAMILIAL PAROXYSMAL; POLYSEROSITIS, RECURRENT; Periodic peritonitis; Benign paroxysmal peritonitis. Identifiers: Orphanet 342, MedGen C0031069, MONDO:0018088, OMIM 249100. Disease mechanism: gain of function.

Submission:

Labcorp Genetics (formerly Invitae), Labcorp
Classification: Uncertain significance for Familial Mediterranean fever. Last evaluated: 2025-12-08. Review status: criteria provided, single submitter. Criteria: Invitae Variant Classification Sherloc (09022015). Collection method: clinical testing. Allele origin: germline.
Comment: This sequence change replaces glycine, which is neutral and non-polar, with alanine, which is neutral and non-polar, at codon 488 of the MEFV protein (p.Gly488Ala). This variant is not present in population databases (gnomAD no frequency). This variant has not been reported in the literature in individuals affected with MEFV-related conditions. An algorithm developed to predict the effect of missense changes on protein structure and function outputs the following: PolyPhen-2: "Benign". The alanine amino acid residue is found in multiple mammalian species, which suggests that this missense change does not adversely affect protein function. In summary, the available evidence is currently insufficient to determine the role of this variant in disease. Therefore, it has been classified as a Variant of Uncertain Significance.